The following is an entry in ClinVar:

NM_001378615.1(CC2D2A):c.2133G>C (p.Gln711His)

Genes: CC2D2A (coiled-coil and C2 domain containing 2A; plus strand), FBXL5 (F-box and leucine rich repeat protein 5; minus strand). Cytogenetic location: 4p15.32.
Variant type: single nucleotide variant.
Coding change: c.2133G>C on transcript NM_001378615.1 (MANE Select); coding-DNA position 2133, G replaced by C.
Protein change: p.Gln711His; replaces glutamine 711 with histidine.
Molecular consequence: missense variant.
Genome position (GRCh38, 1-based): chr4:15,540,966, G>C. VCF-style: chr4-15540966-G-C. GRCh37 (hg19) VCF-style: chr4-15542589-G-C.
Other names: c.2133G>C, p.Gln711His (NM_001080522.2); c.1986G>C, p.Gln662His (NM_001378617.1); short protein forms Q711H, Q662H.
Identifiers: ClinVar variation 347765 (VCV000347765.10), dbSNP rs886059139, ClinGen allele CA10620313.

ClinVar aggregate classification (germline): Uncertain significance. Review status: criteria provided, multiple submitters, no conflicts (2 of 4 stars). 5 submissions from 4 submitters: Uncertain significance (4). 1 of the submissions does not count toward it. Last evaluated 2022-06-08.

Conditions:
CC2D2A-related disorder. Also called: CC2D2A-related disorders; CC2D2A-related condition. Identifiers: MedGen CN239313.
Meckel-Gruber syndrome. Also called: Dysencephalia splachnocystica; DYSENCEPHALIA SPLANCHNOCYSTICA; GRUBER SYNDROME. Identifiers: Orphanet 564, MedGen C0265215, MONDO:0018921.
Joubert syndrome. Also called: JOUBERT-BOLTSHAUSER SYNDROME; Familial aplasia of the vermis. Identifiers: Orphanet 475, MedGen C5979921, MONDO:0018772.
Meckel syndrome, type 6. Identifiers: Orphanet 564, MedGen C2676790, MONDO:0012848, OMIM 612284.
Joubert syndrome 9 (JBTS9). Identifiers: Orphanet 2318, MedGen C2676788, MONDO:0012849, OMIM 612285.

Allele frequency attached by ClinVar (database versions not stated): gnomAD 0.00001; gnomAD exomes 0.00001; TOPMed 0.00002.
gnomAD v4.1: 23 of 1,553,140 alleles (0.0015%); highest among the groups gnomAD compares: Non-Finnish European, 0.0018%; no homozygotes.

Submissions (5):

Labcorp Genetics (formerly Invitae), Labcorp
Classification: Uncertain significance for Joubert syndrome; Meckel-Gruber syndrome. Last evaluated: 2022-06-08. Review status: criteria provided, single submitter. Criteria: Invitae Variant Classification Sherloc (09022015). Collection method: clinical testing. Allele origin: germline.
Comment: This sequence change replaces glutamine, which is neutral and polar, with histidine, which is basic and polar, at codon 711 of the CC2D2A protein (p.Gln711His). This variant is present in population databases (no rsID available, gnomAD 0.002%). This variant has not been reported in the literature in individuals affected with CC2D2A-related conditions. ClinVar contains an entry for this variant (Variation ID: 347765). Algorithms developed to predict the effect of missense changes on protein structure and function are either unavailable or do not agree on the potential impact of this missense change (SIFT: "Deleterious"; PolyPhen-2: "Benign"; Align-GVGD: "Class C0"). In summary, the available evidence is currently insufficient to determine the role of this variant in disease. Therefore, it has been classified as a Variant of Uncertain Significance.

Blueprint Genetics
Classification: Uncertain significance. Last evaluated: 2021-11-03. Review status: criteria provided, single submitter. Criteria: ACMG Guidelines, 2015. Collection method: clinical testing. Allele origin: germline.

Illumina Laboratory Services, Illumina
Classification: Uncertain significance for Joubert syndrome 9. Last evaluated: 2018-01-13. Review status: criteria provided, single submitter. Criteria: ICSL Variant Classification Criteria 13 December 2019. Collection method: clinical testing. Allele origin: germline.

Illumina Laboratory Services, Illumina
Classification: Uncertain significance for Meckel syndrome, type 6. Last evaluated: 2018-01-13. Review status: criteria provided, single submitter. Criteria: ICSL Variant Classification Criteria 13 December 2019. Collection method: clinical testing. Allele origin: germline.

PreventionGenetics, part of Exact Sciences
Classification: Uncertain significance for CC2D2A-related condition. Last evaluated: 2024-04-16. Review status: no assertion criteria provided. Collection method: clinical testing. Allele origin: germline. Not counted in ClinVar's aggregate classification.
Comment: The CC2D2A c.2133G>C variant is predicted to result in the amino acid substitution p.Gln711His. To our knowledge, this variant has not been reported in the literature. This variant is reported in 0.0016% of alleles in individuals of European (Non-Finnish) descent in gnomAD. At this time, the clinical significance of this variant is uncertain due to the absence of conclusive functional and genetic evidence.